The following is an entry in ClinVar:

NM_020320.5(RARS2):c.879-2A>G

Gene: RARS2 (arginyl-tRNA synthetase 2, mitochondrial; minus strand). Cytogenetic location: 6q15.
Variant type: single nucleotide variant.
Coding change: c.879-2A>G on transcript NM_020320.5 (MANE Select); the canonical splice acceptor site of the intron before coding-DNA position 879, A replaced by G.
Molecular consequence: splice acceptor variant. On other transcripts: non-coding transcript variant (1).
Genome position (GRCh38, 1-based): chr6:87,524,654, T>C on the plus strand (A>G on the coding strand, the complement: RARS2 is on the minus strand). VCF-style: chr6-87524654-T-C. GRCh37 (hg19) VCF-style: chr6-88234372-T-C.
Other names: c.879-2A>G (NM_001350505.2); c.354-2A>G (NM_001350509.2, NM_001318785.2, NM_001350506.2 and 4 more transcripts).
Identifiers: ClinVar variation 4816057 (VCV004816057.1).

ClinVar aggregate classification (germline): Likely pathogenic (1 of 4 stars; one submission).

Conditions:
Pontocerebellar hypoplasia type 6 (PCH6). Identifiers: Orphanet 166073, MedGen C1969084, MONDO:0012683, OMIM 611523.

gnomAD v4.1: 1 of 1,600,538 alleles (0.000062%); highest among the groups gnomAD compares: Non-Finnish European, 0.000086%; no homozygotes.

Submission:

Natera, Inc.
Classification: Likely pathogenic for Pontocerebellar hypoplasia, type 6. Last evaluated: 2025-07-16. Review status: criteria provided, single submitter. Criteria: Natera Variant Classification Schema (03/2026). Collection method: clinical testing. Allele origin: germline.
Comment: The c.879-2A>G variant in RARS2 is a canonical splice acceptor site variant predicted to affect pre-mRNA splicing, which may result in an abnormal transcript and altered protein product. This variant is expected to result in nonsense mediated decay, truncation, or a dysfunctional protein product. This variant is rare in the general population with a frequency below the threshold expected for the associated phenotype(s). Given the available evidence, this variant is classified as Likely Pathogenic.